The following is an entry in ClinVar:

NM_001130823.3(DNMT1):c.3767A>G (p.Tyr1256Cys)

Gene: DNMT1 (DNA methyltransferase 1; minus strand). Cytogenetic location: 19p13.2.
Variant type: single nucleotide variant.
Coding change: c.3767A>G on transcript NM_001130823.3 (MANE Select); coding-DNA position 3767, A replaced by G.
Protein change: p.Tyr1256Cys; replaces tyrosine 1256 with cysteine.
Molecular consequence: missense variant.
Genome position (GRCh38, 1-based): chr19:10,140,085, T>C on the plus strand (A>G on the coding strand, the complement: DNMT1 is on the minus strand). VCF-style: chr19-10140085-T-C. GRCh37 (hg19) VCF-style: chr19-10250761-T-C.
Other names: c.3767A>G (LRG_362t1); c.3719A>G, p.Tyr1240Cys (NM_001318730.2, NM_001379.4); c.3404A>G, p.Tyr1135Cys (NM_001318731.2); short protein forms Y1256C, Y1135C, Y1240C.
Identifiers: ClinVar variation 426790 (VCV000426790.8), dbSNP rs1085307800, ClinGen allele CA403972761.
Genomic context (GRCh38, chr19:10,140,085, plus strand): 5'-GGGGGGCTTCTACCCGTTTACCTGAGGAAGGAAACCACCAGAGAGTTTTTGAACTTGGAG[T>C]AGGTGCGCGAATTGAAGCGGTTCATGCCGCTGAAGCCCTGGCAGGGCGGCCCGCCGCACA-3'
Protein context (NP_001124295.1, residues 1246-1266): SGMNRFNSRT[Tyr1256Cys]SKFKNSLVVS

ClinVar aggregate classification (germline): Conflicting classifications of pathogenicity. Review status: criteria provided, conflicting classifications (1 of 4 stars). 2 submissions from 2 submitters: Likely pathogenic (1); Uncertain significance (1). Last evaluated 2021-12-21.

Conditions:
Hereditary sensory neuropathy-deafness-dementia syndrome. Also called: HSN IE; Hereditary sensory neuropathy type IE; NEUROPATHY, HEREDITARY SENSORY, WITH HEARING LOSS AND DEMENTIA; Hereditary Sensory and Autonomic Neuropathy Type 1E (HSAN1E). Identifiers: Orphanet 456318, MedGen C3279885, MONDO:0013584, OMIM 614116.

Allele frequency attached by ClinVar (database versions not stated): gnomAD exomes below 0.00001.
gnomAD v4.1: 1 of 1,613,122 alleles (0.000062%); highest among the groups gnomAD compares: Non-Finnish European, 0.000085%; no homozygotes.

Submissions (2):

Labcorp Genetics (formerly Invitae), Labcorp
Classification: Uncertain significance for Hereditary sensory neuropathy-deafness-dementia syndrome. Last evaluated: 2021-12-21. Review status: criteria provided, single submitter. Criteria: Invitae Variant Classification Sherloc (09022015). Collection method: clinical testing. Allele origin: germline.
Comment: In summary, the available evidence is currently insufficient to determine the role of this variant in disease. Therefore, it has been classified as a Variant of Uncertain Significance. Algorithms developed to predict the effect of missense changes on protein structure and function are either unavailable or do not agree on the potential impact of this missense change (SIFT: "Deleterious"; PolyPhen-2: "Possibly Damaging"; Align-GVGD: "Class C0"). ClinVar contains an entry for this variant (Variation ID: 426790). This variant has not been reported in the literature in individuals affected with DNMT1-related conditions. This variant is not present in population databases (gnomAD no frequency). This sequence change replaces tyrosine, which is neutral and polar, with cysteine, which is neutral and slightly polar, at codon 1256 of the DNMT1 protein (p.Tyr1256Cys).

GeneDx
Classification: Likely pathogenic. Last evaluated: 2019-06-25. Review status: criteria provided, single submitter. Criteria: GeneDx Variant Classification Process June 2021. Collection method: clinical testing. Allele origin: germline. Affected: yes.
Comment: Not observed in large population cohorts (Lek et al., 2016); In silico analysis, which includes protein predictors and evolutionary conservation, supports a deleterious effect; Has not been previously published as pathogenic or benign to our knowledge